The following is an entry in ClinVar:

ClinVar aggregate classification (germline): Likely pathogenic (1 of 4 stars; one submission).

Submission:

Genetics Laboratory, UDIAT-Centre Diagnòstic, Hospital Universitari Parc Tauli
Classification: Likely pathogenic. Last evaluated: 2021-04-26. Review status: criteria provided, single submitter. Criteria: Parc Tauli Hospital Assertion Criteria 2021. Collection method: clinical testing. Allele origin: de novo. Inheritance: Autosomal dominant inheritance. Affected: yes. Observed: 1 heterozygote.
Comment: PVS1_moderate;PM2_supporting;PM6_moderate;PP3_supporting

NM_017934.7(PHIP):c.1137-7_1140del

Gene: PHIP (PHIP subunit of CUL4-Ring ligase complex; minus strand). Cytogenetic location: 6q14.1.
Variant type: Deletion.
Coding change: c.1137-7_1140del on transcript NM_017934.7 (MANE Select); 7 bases into the intron before coding-DNA position 1137 through coding-DNA position 1140, 11 bases deleted (AATACAGGTTT).
Molecular consequence: splice acceptor variant.
Genome position (GRCh38, 1-based): chr6:79,016,639-79,016,649, AAACCTGTATT deleted on the plus strand (AATACAGGTTT on the coding strand, the reverse complement: PHIP is on the minus strand); deleting any 11 consecutive bases within chr6:79,016,639-79,016,652 gives the same sequence; the c. name uses the placement nearest the transcript's 3' end. VCF-style (leftmost placement, unchanged base first): chr6-79016638-CAAACCTGTATT-C. GRCh37 (hg19) VCF-style: chr6-79726355-CAAACCTGTATT-C.
Identifiers: ClinVar variation 1098398 (VCV001098398.2), dbSNP rs2127741611, ClinGen allele CA2499218573.